The following is an entry in ClinVar:

NM_024996.7(GFM1):c.1519-10C>G

Gene: GFM1 (G elongation factor mitochondrial 1; plus strand). Cytogenetic location: 3q25.32.
Variant type: single nucleotide variant.
Coding change: c.1519-10C>G on transcript NM_024996.7 (MANE Select); 10 bases into the intron before coding-DNA position 1519, C replaced by G.
Molecular consequence: intron variant.
Genome position (GRCh38, 1-based): chr3:158,666,294, C>G. VCF-style: chr3-158666294-C-G. GRCh37 (hg19) VCF-style: chr3-158384083-C-G.
Other names: c.1576-10C>G (NM_001308164.2); c.1294-10C>G (NM_001374357.1); c.1438-10C>G (NM_001374355.1); c.1402-10C>G (NM_001374356.1); c.952-10C>G (NM_001374359.1, NM_001374360.1); c.835-10C>G (NM_001374361.1); c.1060-10C>G (NM_001374358.1); c.1519-10C>G (NM_001308166.2).
Identifiers: ClinVar variation 3893301 (VCV003893301.2).

ClinVar aggregate classification (germline): Conflicting classifications of pathogenicity. Review status: criteria provided, conflicting classifications (1 of 4 stars). 2 submissions from 2 submitters: Likely pathogenic (1); Uncertain significance (1). Last evaluated 2025-12-10.

gnomAD v4.1: 16 of 1,607,382 alleles (0.001%); highest among the groups gnomAD compares: Non-Finnish European, 0.0014%; no homozygotes.

Submissions (2):

Women's Health and Genetics/Laboratory Corporation of America, LabCorp
Classification: Uncertain significance. Last evaluated: 2025-12-10. Review status: criteria provided, single submitter. Criteria: LabCorp Variant Classification Summary - May 2015. Collection method: clinical testing. Allele origin: germline.
Comment: Variant summary: GFM1 c.1519-10C>G alters a nucleotide located at a position not widely known to affect splicing. Several computational tools predict a significant impact on normal splicing: Two predict the variant abolishes a canonical 3' acceptor site. One predict the variant weakens a canonical 3' acceptor site. However, these predictions have yet to be confirmed by functional studies. The variant allele was found at a frequency of 8e-06 in 250036 control chromosomes. The available data on variant occurrences in the general population are insufficient to allow any conclusion about variant significance. To our knowledge, no occurrence of c.1519-10C>G in individuals affected with GFM1-related conditions and no experimental evidence demonstrating its impact on protein function have been reported. ClinVar contains an entry for this variant (Variation ID: 3893301). Based on the evidence outlined above, the variant was classified as uncertain significance.

GeneDx
Classification: Likely pathogenic. Last evaluated: 2024-10-21. Review status: criteria provided, single submitter. Criteria: GeneDx Variant Classification Process June 2021. Collection method: clinical testing. Allele origin: germline. Affected: yes.
Comment: Has not been previously published as pathogenic or benign to our knowledge; Not observed at significant frequency in large population cohorts (gnomAD); In silico analysis supports a deleterious effect on splicing